The following is an entry in ClinVar:

ClinVar aggregate classification (germline): Likely pathogenic (1 of 4 stars; one submission).

Submission:

GeneDx
Classification: Likely pathogenic. Last evaluated: 2023-05-10. Review status: criteria provided, single submitter. Criteria: GeneDx Variant Classification Process June 2021. Collection method: clinical testing. Allele origin: germline. Affected: yes.
Comment: Nonsense variant predicted to result in protein truncation, as the last 254 amino acids are lost, and other loss-of-function variants have been reported downstream in HGMD; Not observed at significant frequency in large population cohorts (gnomAD); Has not been previously published as pathogenic or benign to our knowledge

NM_024496.4(IRF2BPL):c.1627A>T (p.Lys543Ter)

Gene: IRF2BPL (interferon regulatory factor 2 binding protein like; minus strand). Cytogenetic location: 14q24.3.
Variant type: single nucleotide variant.
Coding change: c.1627A>T on transcript NM_024496.4 (MANE Select); coding-DNA position 1627, A replaced by T.
Protein change: p.Lys543Ter; replaces lysine 543 with a stop codon.
Molecular consequence: nonsense.
Genome position (GRCh38, 1-based): chr14:77,026,166, T>A on the plus strand (A>T on the coding strand, the complement: IRF2BPL is on the minus strand). VCF-style: chr14-77026166-T-A. GRCh37 (hg19) VCF-style: chr14-77492509-T-A.
Other names: short protein forms K543*.
Identifiers: ClinVar variation 2501943 (VCV002501943.1), dbSNP rs2503075312, ClinGen allele CA390492884.